The following is an entry in ClinVar:

ClinVar aggregate classification (germline): Uncertain significance. Review status: criteria provided, multiple submitters, no conflicts (2 of 4 stars). 5 submissions from 5 submitters: Uncertain significance (4). 1 of the submissions does not count toward it. Last evaluated 2025-12-19.

Conditions:
CRYAB-related disorder. Also called: CRYAB-related condition.
Cardiovascular phenotype. Identifiers: MedGen CN230736.
Cataract 16 multiple types. Also called: CATARACT, CONGENITAL LAMELLAR; CATARACT 16, POSTERIOR POLAR; CATARACT 16, CONGENITAL LAMELLAR. Identifiers: Orphanet 91492, Orphanet 98992, Orphanet 98993, Orphanet 98995, MedGen C3808377, MONDO:0013411, OMIM 613763.
Dilated cardiomyopathy 1II (CMD1II). Identifiers: Orphanet 154, MedGen C3554649, MONDO:0014073, OMIM 615184.

Allele frequency attached by ClinVar (database versions not stated): gnomAD 0.00001; TOPMed 0.00001.
gnomAD v4.1: 10 of 1,613,210 alleles (0.00062%); highest among the groups gnomAD compares: African/African-American, 0.0027%; no homozygotes.

Submissions (5):

Ambry Genetics
Classification: Uncertain significance for Cardiovascular phenotype. Last evaluated: 2025-12-19. Review status: criteria provided, single submitter. Criteria: Ambry Variant Classification Scheme 2023. Collection method: clinical testing. Allele origin: germline.
Comment: The p.R50W variant (also known as c.148C>T), located in coding exon 1 of the CRYAB gene, results from a C to T substitution at nucleotide position 148. The arginine at codon 50 is replaced by tryptophan, an amino acid with dissimilar properties. This amino acid position is not well conserved in available vertebrate species. In addition, the in silico prediction for this alteration is inconclusive. Based on the available evidence, the clinical significance of this variant remains unclear.

Labcorp Genetics (formerly Invitae), Labcorp
Classification: Uncertain significance for Dilated cardiomyopathy 1II. Last evaluated: 2024-08-13. Review status: criteria provided, single submitter. Criteria: Invitae Variant Classification Sherloc (09022015). Collection method: clinical testing. Allele origin: germline.
Comment: This sequence change replaces arginine, which is basic and polar, with tryptophan, which is neutral and slightly polar, at codon 50 of the CRYAB protein (p.Arg50Trp). This variant is present in population databases (no rsID available, gnomAD 0.0008%). This missense change has been observed in individual(s) with juvenile onset cataracts (Invitae). ClinVar contains an entry for this variant (Variation ID: 1486651). An algorithm developed to predict the effect of missense changes on protein structure and function (PolyPhen-2) suggests that this variant is likely to be disruptive. In summary, the available evidence is currently insufficient to determine the role of this variant in disease. Therefore, it has been classified as a Variant of Uncertain Significance.

MGZ Medical Genetics Center
Classification: Uncertain significance for Cataract 16 multiple types. Last evaluated: 2022-04-14. Review status: criteria provided, single submitter. Criteria: ACMG Guidelines, 2015. Collection method: clinical testing. Allele origin: germline. Affected: yes. Observed: 1 variant allele.
Comment: ACMG criteria applied: PM2_SUP, PP3

AiLife Diagnostics
Classification: Uncertain significance. Last evaluated: 2021-11-25. Review status: criteria provided, single submitter. Criteria: ACMG Guidelines, 2015. Collection method: clinical testing. Allele origin: germline. Affected: yes. Observed: 1 variant allele.

PreventionGenetics, part of Exact Sciences
Classification: Uncertain significance for CRYAB-related condition. Last evaluated: 2024-05-14. Review status: no assertion criteria provided. Collection method: clinical testing. Allele origin: germline. Not counted in ClinVar's aggregate classification.
Comment: The CRYAB c.148C>T variant is predicted to result in the amino acid substitution p.Arg50Trp. To our knowledge, this variant has not been reported in the literature. This variant is reported in 0.00078% of alleles in individuals of European (Non-Finnish) descent in gnomAD. At this time, the clinical significance of this variant is uncertain due to the absence of conclusive functional and genetic evidence.

NM_001289808.2(CRYAB):c.148C>T (p.Arg50Trp)

Gene: CRYAB (crystallin alpha B; minus strand). Cytogenetic location: 11q23.1.
Variant type: single nucleotide variant.
Coding change: c.148C>T on transcript NM_001289808.2 (MANE Select); coding-DNA position 148, C replaced by T.
Protein change: p.Arg50Trp; replaces arginine 50 with tryptophan.
Molecular consequence: missense variant.
Genome position (GRCh38, 1-based): chr11:111,911,577, G>A on the plus strand (C>T on the coding strand, the complement: CRYAB is on the minus strand). VCF-style: chr11-111911577-G-A. GRCh37 (hg19) VCF-style: chr11-111782301-G-A.
Other names: c.148C>T (NM_001885.2, NM_001885.1); c.148C>T, p.Arg50Trp (NM_001289807.1, NM_001368245.1, NM_001885.3); short protein forms R50W.
Identifiers: ClinVar variation 1486651 (VCV001486651.11), dbSNP rs1555165555, ClinGen allele CA382600399.